The following is an entry in ClinVar:

ClinVar aggregate classification (germline): Uncertain significance (1 of 4 stars; one submission).

Conditions:
Short-rib thoracic dysplasia 14 with polydactyly (SRTD14). Identifiers: Orphanet 397715, MedGen C4225286, MONDO:0014688, OMIM 616546.
Joubert syndrome 23 (JBTS23). Identifiers: Orphanet 475, MedGen C4084822, MONDO:0014664, OMIM 616490.

Allele frequency attached by ClinVar (database versions not stated): gnomAD 0.00001 and 0.00003; gnomAD exomes 0.00001 and 0.00002; TOPMed 0.00001; 1000 Genomes Project 30x 0.00031; 1000 Genomes Project 0.00040.
gnomAD v4.1: 7 of 455,388 alleles (0.0015%); highest among the groups gnomAD compares: East Asian, 0.049%; no homozygotes.

Submission:

Labcorp Genetics (formerly Invitae), Labcorp
Classification: Uncertain significance for Joubert syndrome 23; Short-rib thoracic dysplasia 14 with polydactyly. Last evaluated: 2022-02-24. Review status: criteria provided, single submitter. Criteria: Invitae Variant Classification Sherloc (09022015). Collection method: clinical testing. Allele origin: germline.
Comment: This sequence change falls in intron 33 of the KIAA0586 gene. It does not directly change the encoded amino acid sequence of the KIAA0586 protein. It affects a nucleotide within the consensus splice site. This variant is present in population databases (rs181384924, gnomAD 0.02%). This variant has not been reported in the literature in individuals affected with KIAA0586-related conditions. Variants that disrupt the consensus splice site are a relatively common cause of aberrant splicing (PMID: 17576681, 9536098). Algorithms developed to predict the effect of sequence changes on RNA splicing suggest that this variant is not likely to affect RNA splicing. In summary, the available evidence is currently insufficient to determine the role of this variant in disease. Therefore, it has been classified as a Variant of Uncertain Significance.

Literature cited by the submitters: PubMed 17576681; PubMed 9536098.

NM_001329943.3(KIAA0586):c.4496-3808A>C

Gene: KIAA0586 (KIAA0586; plus strand). Cytogenetic location: 14q23.1.
Variant type: single nucleotide variant.
Coding change: c.4496-3808A>C on transcript NM_001329943.3 (MANE Select); 3808 bases into the intron before coding-DNA position 4496, A replaced by C.
Molecular consequence: intron variant.
Genome position (GRCh38, 1-based): chr14:58,543,973, A>C. VCF-style: chr14-58543973-A-C. GRCh37 (hg19) VCF-style: chr14-59010691-A-C.
Other names: c.4739+6A>C (NM_001244189.2); c.4451-3808A>C (NM_001244190.2); c.4364-3808A>C (NM_001244192.2, NM_001329947.2); c.4241-3808A>C (NM_001244191.2, NM_001364701.2); c.4580+6A>C (NM_001329944.2); c.4430-3808A>C (NM_001329946.2); c.4268-3808A>C (NM_014749.5); c.4175-3808A>C (NM_001329945.2).
Identifiers: ClinVar variation 1481959 (VCV001481959.5), dbSNP rs181384924, ClinGen allele CA262037735.